The following is an entry in ClinVar:

ClinVar aggregate classification (germline): Uncertain significance (1 of 4 stars; one submission).

Conditions:
Hereditary nonpolyposis colorectal neoplasms. Identifiers: MedGen C0009405, MeSH D003123.

Submission:

Labcorp Genetics (formerly Invitae), Labcorp
Classification: Uncertain significance for Hereditary nonpolyposis colorectal neoplasms. Last evaluated: 2023-12-01. Review status: criteria provided, single submitter. Criteria: Invitae Variant Classification Sherloc (09022015). Collection method: clinical testing. Allele origin: germline.
Comment: This sequence change replaces lysine, which is basic and polar, with glutamine, which is neutral and polar, at codon 210 of the PMS2 protein (p.Lys210Gln). This variant is not present in population databases (gnomAD no frequency). This variant has not been reported in the literature in individuals affected with PMS2-related conditions. Advanced modeling of protein sequence and biophysical properties (such as structural, functional, and spatial information, amino acid conservation, physicochemical variation, residue mobility, and thermodynamic stability) performed at Invitae indicates that this missense variant is expected to disrupt PMS2 protein function with a positive predictive value of 80%. In summary, the available evidence is currently insufficient to determine the role of this variant in disease. Therefore, it has been classified as a Variant of Uncertain Significance.

NM_000535.7(PMS2):c.628A>C (p.Lys210Gln)

Gene: PMS2 (PMS1 homolog 2, mismatch repair system component; minus strand). Cytogenetic location: 7p22.1.
Variant type: single nucleotide variant.
Coding change: c.628A>C on transcript NM_000535.7 (MANE Select); coding-DNA position 628, A replaced by C.
Protein change: p.Lys210Gln; replaces lysine 210 with glutamine.
Molecular consequence: missense variant. On other transcripts: non-coding transcript variant (1), intron variant (9), 5 prime UTR variant (2).
Genome position (GRCh38, 1-based): chr7:5,999,185, T>G on the plus strand (A>C on the coding strand, the complement: PMS2 is on the minus strand). VCF-style: chr7-5999185-T-G. GRCh37 (hg19) VCF-style: chr7-6038816-T-G.
Other names: c.223A>C, p.Lys75Gln (NM_001406908.1, NM_001406910.1, NM_001018040.1 and 20 more transcripts); c.628A>C, p.Lys210Gln (NM_001406912.1, NM_001322006.2, NM_001322014.2 and 4 more transcripts); c.132+3268A>C (NM_001406911.1); c.192+31A>C (NM_001406904.1, NM_001406905.1); c.133-1762A>C (NM_001322013.2, NM_001406909.1); c.537+3268A>C (NM_001406886.1); c.538-1762A>C (NM_001406884.1, NM_001406874.1); c.597+31A>C (NM_001406869.1); and 6 more; short protein forms K107Q, K272Q, K75Q, K104Q, K210Q, K218Q, K98Q.
Identifiers: ClinVar variation 3010331 (VCV003010331.3), dbSNP rs2536315187, ClinGen allele CA366743955.